The following is an entry in ClinVar:

ClinVar aggregate classification (germline): Pathogenic/Likely pathogenic. Review status: criteria provided, multiple submitters, no conflicts (2 of 4 stars). 2 submissions from 2 submitters: Pathogenic (1); Likely pathogenic (1). Last evaluated 2024-03-28.

Conditions:
3-methylcrotonyl-CoA carboxylase 1 deficiency (MCC1D). Also called: MCCD TYPE 1; METHYLCROTONYLGLYCINURIA TYPE I; MCC 1 deficiency; 3 Alpha methylcrotonylglycinuria 1. Identifiers: Orphanet 6, MedGen CN028786, MONDO:0008861, OMIM 210200.

Allele frequency attached by ClinVar (database versions not stated): gnomAD exomes below 0.00001; ExAC 0.00001; gnomAD 0.00001; TOPMed 0.00002; ESP Exome Variant Server 0.00008.
gnomAD v4.1: 6 of 1,613,804 alleles (0.00037%); highest among the groups gnomAD compares: Non-Finnish European, 0.00051%; no homozygotes.

Submissions (2):

Baylor Genetics
Classification: Likely pathogenic for 3-methylcrotonyl-CoA carboxylase 1 deficiency. Last evaluated: 2024-03-28. Review status: criteria provided, single submitter. Criteria: ACMG Guidelines, 2015. Collection method: clinical testing. Allele origin: unknown.

Labcorp Genetics (formerly Invitae), Labcorp
Classification: Pathogenic for 3-methylcrotonyl-CoA carboxylase 1 deficiency. Last evaluated: 2023-11-28. Review status: criteria provided, single submitter. Criteria: Invitae Variant Classification Sherloc (09022015). Collection method: clinical testing. Allele origin: germline.
Comment: This sequence change creates a premature translational stop signal (p.Trp358*) in the MCCC1 gene. It is expected to result in an absent or disrupted protein product. Loss-of-function variants in MCCC1 are known to be pathogenic (PMID: 11181649, 15359379, 22642865). This variant is present in population databases (rs367625370, gnomAD 0.0009%). This variant has not been reported in the literature in individuals affected with MCCC1-related conditions. ClinVar contains an entry for this variant (Variation ID: 1458455). For these reasons, this variant has been classified as Pathogenic.

Literature cited by the submitters: PubMed 11181649 (cited by Labcorp Genetics (formerly Invitae), Labcorp); PubMed 15359379 (cited by Labcorp Genetics (formerly Invitae), Labcorp); PubMed 22642865 (cited by Labcorp Genetics (formerly Invitae), Labcorp).

NM_020166.5(MCCC1):c.1074G>A (p.Trp358Ter)

Gene: MCCC1 (methylcrotonyl-CoA carboxylase subunit 1; minus strand). Cytogenetic location: 3q27.1.
Variant type: single nucleotide variant.
Coding change: c.1074G>A on transcript NM_020166.5 (MANE Select); coding-DNA position 1074, G replaced by A.
Protein change: p.Trp358Ter; replaces tryptophan 358 with a stop codon.
Molecular consequence: nonsense. On other transcripts: non-coding transcript variant (2).
Genome position (GRCh38, 1-based): chr3:183,045,422, C>T on the plus strand (G>A on the coding strand, the complement: MCCC1 is on the minus strand). VCF-style: chr3-183045422-C-T. GRCh37 (hg19) VCF-style: chr3-182763210-C-T.
Other names: c.723G>A, p.Trp241Ter (NM_001293273.2); c.747G>A, p.Trp249Ter (NM_001363880.1); short protein forms W241*, W358*, W249*.
Identifiers: ClinVar variation 1458455 (VCV001458455.8), dbSNP rs367625370, ClinGen allele CA2718892.
Genomic context (GRCh38, chr3:183,045,422, plus strand): 5'-GAGCCACCGCACCCAGCCAAGGCTGATTTTTAATAGAAAAAATATTCTCACTCTAAGCTG[C>T]CACTCCACCAAGTCAGTTCCTGTGATCATCTCAGTAACAGGATGTTCCACTTGCAGCCTT-3'